The following is an entry in ClinVar:

ClinVar aggregate classification (germline): Pathogenic/Likely pathogenic. Review status: criteria provided, multiple submitters, no conflicts (2 of 4 stars). 5 submissions from 5 submitters: Pathogenic (1); Likely pathogenic (3). 1 of the submissions does not count toward it. Last evaluated 2025-12-17.

Conditions:
PSAP-related disorder. Also called: PSAP-related condition.
Sphingolipid activator protein 1 deficiency. Also called: METACHROMATIC LEUKODYSTROPHY DUE TO CEREBROSIDE SULFATASE ACTIVATOR DEFICIENCY; Saposin B Deficiency; Metachromatic leukodystrophy due to saposin B deficiency. Identifiers: Orphanet 512, MedGen C0268262, MONDO:0009590, OMIM 249900.
Metachromatic leukodystrophy (MLD). Also called: ARSA DEFICIENCY; CEREBROSIDE SULFATASE DEFICIENCY; SULFATIDE LIPIDOSIS; METACHROMATIC LEUKOENCEPHALOPATHY; Cerebral sclerosis diffuse metachromatic form; Arylsulfatase A Deficiency. Identifiers: Orphanet 512, MedGen C0023522, MONDO:0018868, OMIM 250100.

Allele frequency attached by ClinVar (database versions not stated): gnomAD exomes below 0.00001.

Submissions (5):

Natera, Inc.
Classification: Likely pathogenic for Metachromatic leukodystrophy. Last evaluated: 2025-12-17. Review status: criteria provided, single submitter. Criteria: Natera Variant Classification Schema (03/2026). Collection method: clinical testing. Allele origin: germline.
Comment: The c.643A>C variant in PSAP is a missense variant predicted to cause substitution of asparagine to histidine at amino acid 215. This variant is rare in the general population with a frequency below the threshold expected for the associated phenotype(s). This variant has been observed in one or more individuals affected with the associated recessive disease, as either homozygous or compound heterozygous with a second variant (PMID: 10682309). Additionally, this variant has been observed to segregate in affected family members (PMID: 10682309). A different variant at the same position has been determined to be Pathogenic or Likely Pathogenic. Computational prediction algorithms indicate this variant is likely to affect gene or protein function. Given the available evidence, this variant is classified as Likely Pathogenic.

Labcorp Genetics (formerly Invitae), Labcorp
Classification: Likely pathogenic for Sphingolipid activator protein 1 deficiency. Last evaluated: 2023-11-29. Review status: criteria provided, single submitter. Criteria: Invitae Variant Classification Sherloc (09022015). Collection method: clinical testing. Allele origin: germline.
Comment: This sequence change replaces asparagine, which is neutral and polar, with histidine, which is basic and polar, at codon 215 of the PSAP protein (p.Asn215His). This variant is not present in population databases (gnomAD no frequency). This missense change has been observed in individual(s) with metachromatic leukodystrophy due to saposin B deficiency (PMID: 10682309). It has also been observed to segregate with disease in related individuals. ClinVar contains an entry for this variant (Variation ID: 13367). Advanced modeling of protein sequence and biophysical properties (such as structural, functional, and spatial information, amino acid conservation, physicochemical variation, residue mobility, and thermodynamic stability) performed at Invitae indicates that this missense variant is expected to disrupt PSAP protein function with a positive predictive value of 80%. Experimental studies have shown that this missense change affects PSAP function (PMID: 17561962). This variant disrupts the p.Asn215 amino acid residue in PSAP. Other variant(s) that disrupt this residue have been determined to be pathogenic (PMID: 10196694, 17616409, 18693274, 26462614). This suggests that this residue is clinically significant, and that variants that disrupt this residue are likely to be disease-causing. In summary, the currently available evidence indicates that the variant is pathogenic, but additional data are needed to prove that conclusively. Therefore, this variant has been classified as Likely Pathogenic.

PreventionGenetics, part of Exact Sciences
Classification: Likely pathogenic for PSAP-related condition. Last evaluated: 2022-11-03. Review status: criteria provided, single submitter. Criteria: ACMG Guidelines, 2015. Collection method: clinical testing. Allele origin: germline.
Comment: The PSAP c.643A>C variant is predicted to result in the amino acid substitution p.Asn215His. This variant was reported in the homozygous state an individual with metachromatic leukodystrophy (Wrobe et al 2000. PubMed ID: 10682309). In vitro functional studies show this variant results in an unglycosylated protein with strongly reduced activity (Remmel et al 2007. PubMed ID: 17561962). Another variant at the same position, p.Asn215Lys, has also been reported in the homozygous and compound heterozygous states in individuals with metachromatic leukodystrophy (Regis. 1999. PubMed ID: 10196694; Fenu. 2019. PubMed ID: 31289144). This variant has not been reported in a large population database, indicating this variant is rare. Taken together, the p.Asn215His variant is interpreted as likely pathogenic.

Mendelics
Classification: Pathogenic for Sphingolipid activator protein 1 deficiency. Last evaluated: 2022-05-04. Review status: criteria provided, single submitter. Criteria: Mendelics Assertion Criteria 2019. Collection method: clinical testing. Allele origin: germline.

OMIM
Classification: Pathogenic for METACHROMATIC LEUKODYSTROPHY DUE TO SAPOSIN B DEFICIENCY. Last evaluated: 2007-07-01. Review status: no assertion criteria provided. Collection method: literature only. Allele origin: germline. Not counted in ClinVar's aggregate classification.

Literature cited by the submitters: PubMed 10682309 (cited by Natera, Inc. and Labcorp Genetics (formerly Invitae), Labcorp); PubMed 17561962 (cited by Labcorp Genetics (formerly Invitae), Labcorp); PubMed 10196694 (cited by Labcorp Genetics (formerly Invitae), Labcorp); PubMed 17616409 (cited by Labcorp Genetics (formerly Invitae), Labcorp); PubMed 18693274 (cited by Labcorp Genetics (formerly Invitae), Labcorp); PubMed 26462614 (cited by Labcorp Genetics (formerly Invitae), Labcorp); Wrobe, D., Henseler, M., Huettler, S., Pascual Pascual, S. I., Chabas, A., Sandhoff, K. A non-glycosylated and functionally deficient mutant (N215H) of the sphingolipid activator protein B (SAP-B) in a novel case of metachromatic leukodystrophy (MLD). J. Inherit. Metab. Dis. 23: 63-76, 2000. (cited by OMIM); Remmel, N., Locatelli-Hoops, S., Breiden, B., Schwarzmann, G., Sandhoff, K. Saposin B mobilizes lipids from cholesterol-poor and bis(monoacylglycero)phosphate-rich membranes at acidic pH: unglycosylated patient variant saposin B lacks lipid-extraction capacity. FEBS J. 274: 3405-3420, 2007. (cited by OMIM).

NM_002778.4(PSAP):c.643A>C (p.Asn215His)

Gene: PSAP (prosaposin; minus strand). Cytogenetic location: 10q22.1.
Variant type: single nucleotide variant.
Coding change: c.643A>C on transcript NM_002778.4 (MANE Select); coding-DNA position 643, A replaced by C.
Protein change: p.Asn215His; replaces asparagine 215 with histidine.
Molecular consequence: missense variant.
Genome position (GRCh38, 1-based): chr10:71,828,091, T>G on the plus strand (A>C on the coding strand, the complement: PSAP is on the minus strand). VCF-style: chr10-71828091-T-G. GRCh37 (hg19) VCF-style: chr10-73587848-T-G.
Other names: c.643A>C (NM_002778.3); c.643A>C, p.Asn215His (NM_001042465.3, NM_001042466.3); short protein forms N215H.
Identifiers: ClinVar variation 13367 (VCV000013367.14), dbSNP rs121918107, ClinGen allele CA123063.
Genomic context (GRCh38, chr10:71,828,091, plus strand): 5'-GGCCCAGGCGGTCACACTCCTCCTTGACATGTTCCACCAAGGCCTGGACAAAGGTGGAGT[T>G]GGTCCGTACAGCAGTCTGGATGTCAGTCACCATCTGAATGCAGTCCTGGCAAACGTCCCC-3'
Protein context (NP_002769.1, residues 205-225): VTDIQTAVRT[Asn215His]STFVQALVEH